The following is an entry in ClinVar:

NM_181426.2(CCDC39):c.2158+6T>C

Gene: CCDC39 (coiled-coil domain 39 molecular ruler complex subunit; minus strand). Cytogenetic location: 3q26.33.
Variant type: single nucleotide variant.
Coding change: c.2158+6T>C on transcript NM_181426.2 (MANE Select); 6 bases into the intron after coding-DNA position 2158, T replaced by C.
Molecular consequence: intron variant.
Genome position (GRCh38, 1-based): chr3:180,619,805, A>G on the plus strand (T>C on the coding strand, the complement: CCDC39 is on the minus strand). VCF-style: chr3-180619805-A-G. GRCh37 (hg19) VCF-style: chr3-180337593-A-G.
Identifiers: ClinVar variation 947165 (VCV000947165.7), dbSNP rs1717382696, ClinGen allele CA1139658356.
Genomic context (GRCh38, chr3:180,619,805, plus strand): 5'-AGTGTTCCTTTTAACTATACACTCGTCACTGTATATATGTATAAAAAAAAGTTAACTCCT[A>G]CATACTAGATGGAGTCACTTTTTTAAAAGATTGCTTATAATTGTTGTTACAGCTGTTCAG-3'

ClinVar aggregate classification (germline): Uncertain significance (1 of 4 stars; one submission).

Conditions:
Primary ciliary dyskinesia. Also called: Ciliary dyskinesia. Identifiers: Orphanet 244, MedGen C0008780, MONDO:0016575, HP:0012265.

Allele frequency attached by ClinVar (database versions not stated): gnomAD exomes below 0.00001.
gnomAD v4.1: 1 of 1,557,492 alleles (0.000064%); highest among the groups gnomAD compares: Admixed American, 0.0018%; no homozygotes.

Submission:

Labcorp Genetics (formerly Invitae), Labcorp
Classification: Uncertain significance for Primary ciliary dyskinesia. Last evaluated: 2022-02-20. Review status: criteria provided, single submitter. Criteria: Invitae Variant Classification Sherloc (09022015). Collection method: clinical testing. Allele origin: germline.
Comment: This sequence change falls in intron 15 of the CCDC39 gene. It does not directly change the encoded amino acid sequence of the CCDC39 protein. It affects a nucleotide within the consensus splice site. This variant is not present in population databases (gnomAD no frequency). This variant has not been reported in the literature in individuals affected with CCDC39-related conditions. ClinVar contains an entry for this variant (Variation ID: 947165). Variants that disrupt the consensus splice site are a relatively common cause of aberrant splicing (PMID: 17576681, 9536098). Algorithms developed to predict the effect of sequence changes on RNA splicing suggest that this variant may disrupt the consensus splice site. In summary, the available evidence is currently insufficient to determine the role of this variant in disease. Therefore, it has been classified as a Variant of Uncertain Significance.

Literature cited by the submitters: PubMed 17576681; PubMed 9536098.